The following is an entry in ClinVar:

ClinVar aggregate classification (germline): Conflicting classifications of pathogenicity. Review status: criteria provided, conflicting classifications (1 of 4 stars). 3 submissions from 3 submitters: Likely pathogenic (1); Uncertain significance (1). 1 of the submissions does not count toward it. Last evaluated 2026-07-09.

Conditions:
TH-deficient dopa-responsive dystonia. Also called: Segawa syndrome, autosomal recessive; Tyrosine Hydroxylase-Deficient Dopa-Responsive Dystonia; DYT-TH. Identifiers: Orphanet 101150, MedGen C2673535, MONDO:0011551, OMIM 605407.

Allele frequency attached by ClinVar (database versions not stated): gnomAD exomes below 0.00001; TOPMed 0.00002.
gnomAD v4.1: 5 of 1,612,612 alleles (0.00031%); highest among the groups gnomAD compares: East Asian, 0.0022%; no homozygotes.

Submissions (3):

Myriad Genetics, Inc.
Classification: Likely pathogenic for TH-deficient dopa-responsive dystonia. Last evaluated: 2026-07-09. Review status: criteria provided, single submitter. Criteria: Myriad Autosomal Dominant, Autosomal Recessive and X-Linked Classification Criteria (2023). Collection method: clinical testing. Allele origin: unknown.
Comment: NM_199292.2(TH):c.1264G>A(G422R) is a missense variant classified as likely pathogenic in the context of tyrosine hydroxylase deficiency. G422R has been observed in a case with relevant disease (PMID: 39937650). Relevant functional assessments of this variant are available in the literature (PMID: 38084654). Internal structural analysis of the variant is supportive of pathogenicity. G422R has not been observed in referenced population frequency databases. In summary, NM_199292.2(TH):c.1264G>A(G422R) is a missense variant that has both functional and internal structural support for pathogenicity and has been observed more frequently in cases with the relevant disease than in healthy populations. Please note: this variant was assessed in the context of healthy population screening.

Labcorp Genetics (formerly Invitae), Labcorp
Classification: Uncertain significance for TH-deficient dopa-responsive dystonia. Last evaluated: 2022-09-01. Review status: criteria provided, single submitter. Criteria: Invitae Variant Classification Sherloc (09022015). Collection method: clinical testing. Allele origin: germline.
Comment: This sequence change replaces glycine, which is neutral and non-polar, with arginine, which is basic and polar, at codon 422 of the TH protein (p.Gly422Arg). This variant is present in population databases (no rsID available, gnomAD 0.01%). This variant has not been reported in the literature in individuals affected with TH-related conditions. ClinVar contains an entry for this variant (Variation ID: 842658). Advanced modeling of protein sequence and biophysical properties (such as structural, functional, and spatial information, amino acid conservation, physicochemical variation, residue mobility, and thermodynamic stability) performed at Invitae indicates that this missense variant is expected to disrupt TH protein function. In summary, the available evidence is currently insufficient to determine the role of this variant in disease. Therefore, it has been classified as a Variant of Uncertain Significance.

Natera, Inc.
Classification: Uncertain significance for Autosomal recessive Segawa syndrome. Last evaluated: 2020-12-05. Review status: no assertion criteria provided. Collection method: clinical testing. Allele origin: germline. Not counted in ClinVar's aggregate classification.

Literature cited by the submitters: PubMed 38084654 (cited by Myriad Genetics, Inc.); PubMed 39937650 (cited by Myriad Genetics, Inc.).

NM_000360.4(TH):c.1171G>A (p.Gly391Arg)

Gene: TH (tyrosine hydroxylase; minus strand). Cytogenetic location: 11p15.5.
Variant type: single nucleotide variant.
Coding change: c.1171G>A on transcript NM_000360.4 (MANE Select); coding-DNA position 1171, G replaced by A.
Protein change: p.Gly391Arg; replaces glycine 391 with arginine.
Molecular consequence: missense variant.
Genome position (GRCh38, 1-based): chr11:2,165,697, C>T on the plus strand (G>A on the coding strand, the complement: TH is on the minus strand). VCF-style: chr11-2165697-C-T. GRCh37 (hg19) VCF-style: chr11-2186927-C-T.
Other names: c.1264G>A, p.Gly422Arg (NM_199292.3); c.1252G>A, p.Gly418Arg (NM_199293.3); short protein forms G391R, G418R, G422R.
Identifiers: ClinVar variation 842658 (VCV000842658.8), dbSNP rs1243080287, ClinGen allele CA379125634.